The following is an entry in ClinVar:

NM_007294.4(BRCA1):c.4675+10C>T

Gene: BRCA1 (BRCA1 DNA repair associated; minus strand). Cytogenetic location: 17q21.31.
Variant type: single nucleotide variant.
Coding change: c.4675+10C>T on transcript NM_007294.4 (MANE Select); 10 bases into the intron after coding-DNA position 4675, C replaced by T.
Molecular consequence: intron variant.
Genome position (GRCh38, 1-based): chr17:43,074,321, G>A on the plus strand (C>T on the coding strand, the complement: BRCA1 is on the minus strand). VCF-style: chr17-43074321-G-A. GRCh37 (hg19) VCF-style: chr17-41226338-G-A.
Other names: c.4675+10C>T (NM_001407593.1, NM_001407603.1, NM_001407652.1 and 8 more transcripts); c.1222+10C>T (NM_001408458.1, NM_001408461.1, NM_001408464.1 and 7 more transcripts); c.3784+10C>T (NM_001407967.1); c.4294+10C>T (NM_001407959.1); c.4408+10C>T (NM_001407931.1, NM_001407932.1, NM_001407928.1 and 4 more transcripts); c.4531+10C>T (NM_001407747.1, NM_001407745.1, NM_001407737.1 and 21 more transcripts); c.4291+10C>T (NM_001407962.1, NM_001407960.1); c.862+10C>T (NM_001408512.1); and 71 more.
Identifiers: ClinVar variation 387365 (VCV000387365.2), dbSNP rs1057522769, ClinGen allele CA16608436.

ClinVar aggregate classification (germline): Likely benign (1 of 4 stars; one submission).

Allele frequency attached by ClinVar (database versions not stated): gnomAD exomes below 0.00001.
gnomAD v4.1: 2 of 1,613,774 alleles (0.00012%); highest among the groups gnomAD compares: African/African-American, 0.0013%; no homozygotes.

Submission:

GeneDx
Classification: Likely benign. Last evaluated: 2016-06-27. Review status: criteria provided, single submitter. Criteria: GeneDx Variant Classification (06012015). Collection method: clinical testing. Allele origin: germline. Affected: yes.
Comment: This variant is considered likely benign or benign based on one or more of the following criteria: it is a conservative change, it occurs at a poorly conserved position in the protein, it is predicted to be benign by multiple in silico algorithms, and/or has population frequency not consistent with disease.